The following is an entry in ClinVar:

NM_001364857.2(ADGRB2):c.993G>A (p.Val331=)

Gene: ADGRB2 (adhesion G protein-coupled receptor B2; minus strand). Cytogenetic location: 1p35.2.
Variant type: single nucleotide variant.
Coding change: c.993G>A on transcript NM_001364857.2 (MANE Select); coding-DNA position 993, G replaced by A.
Protein change: p.Val331=; no amino-acid change (valine 331 retained).
Molecular consequence: synonymous variant.
Genome position (GRCh38, 1-based): chr1:31,744,287, C>T on the plus strand (G>A on the coding strand, the complement: ADGRB2 is on the minus strand). VCF-style: chr1-31744287-C-T. GRCh37 (hg19) VCF-style: chr1-32209888-C-T.
Other names: c.993G>A, p.Val331= (NM_001294335.2, NM_001294336.2).
Identifiers: ClinVar variation 4761362 (VCV004761362.1).

ClinVar aggregate classification (germline): Uncertain significance (1 of 4 stars; one submission).

gnomAD v4.1: 3 of 1,551,348 alleles (0.00019%); highest among the groups gnomAD compares: Non-Finnish European, 0.00026%; no homozygotes.

Submission:

Labcorp Genetics (formerly Invitae), Labcorp
Classification: Uncertain significance. Last evaluated: 2025-04-17. Review status: criteria provided, single submitter. Criteria: Invitae Variant Classification Sherloc (09022015). Collection method: clinical testing. Allele origin: germline.
Comment: This sequence change affects codon 331 of the ADGRB2 mRNA. It is a 'silent' change, meaning that it does not change the encoded amino acid sequence of the ADGRB2 protein. The frequency data for this variant in the population databases is considered unreliable, as metrics indicate poor data quality at this position in the gnomAD database. This variant has not been reported in the literature in individuals affected with ADGRB2-related conditions. Algorithms developed to predict the effect of sequence changes on RNA splicing suggest that this variant may create or strengthen a splice site. In summary, the available evidence is currently insufficient to determine the role of this variant in disease. Therefore, it has been classified as a Variant of Uncertain Significance.